The following is an entry in ClinVar:

NM_014975.3(MAST1):c.2319-20A>G

Genes: MAST1 (microtubule associated serine/threonine kinase 1; plus strand), LOC112543452 (Sharpr-MPRA regulatory region 6054; plus strand). Cytogenetic location: 19p13.13.
Variant type: single nucleotide variant.
Coding change: c.2319-20A>G on transcript NM_014975.3 (MANE Select); 20 bases into the intron before coding-DNA position 2319, A replaced by G.
Molecular consequence: intron variant.
Genome position (GRCh38, 1-based): chr19:12,867,710, A>G. VCF-style: chr19-12867710-A-G. GRCh37 (hg19) VCF-style: chr19-12978524-A-G.
Identifiers: ClinVar variation 2003456 (VCV002003456.4), dbSNP rs1046685008, ClinGen allele CA305494895.

ClinVar aggregate classification (germline): Uncertain significance (1 of 4 stars; one submission).

Allele frequency attached by ClinVar (database versions not stated): gnomAD exomes 0.00001.
gnomAD v4.1: 5 of 1,533,140 alleles (0.00033%); highest among the groups gnomAD compares: Middle Eastern, 0.052%; no homozygotes.

Submission:

Labcorp Genetics (formerly Invitae), Labcorp
Classification: Uncertain significance. Last evaluated: 2022-10-20. Review status: criteria provided, single submitter. Criteria: Invitae Variant Classification Sherloc (09022015). Collection method: clinical testing. Allele origin: germline.
Comment: In summary, the available evidence is currently insufficient to determine the role of this variant in disease. Therefore, it has been classified as a Variant of Uncertain Significance. Algorithms developed to predict the effect of sequence changes on RNA splicing suggest that this variant may create or strengthen a splice site. This variant has not been reported in the literature in individuals affected with MAST1-related conditions. This variant is not present in population databases (gnomAD no frequency). This sequence change falls in intron 19 of the MAST1 gene. It does not directly change the encoded amino acid sequence of the MAST1 protein.